The following is an entry in ClinVar:

NM_001384474.1(LOXHD1):c.4148C>G (p.Thr1383Arg)

Gene: LOXHD1 (lipoxygenase homology PLAT domains 1; minus strand). Cytogenetic location: 18q21.1.
Variant type: single nucleotide variant.
Coding change: c.4148C>G on transcript NM_001384474.1 (MANE Select); coding-DNA position 4148, C replaced by G.
Protein change: p.Thr1383Arg; replaces threonine 1383 with arginine.
Molecular consequence: missense variant.
Genome position (GRCh38, 1-based): chr18:46,534,399, G>C on the plus strand (C>G on the coding strand, the complement: LOXHD1 is on the minus strand). VCF-style: chr18-46534399-G-C. GRCh37 (hg19) VCF-style: chr18-44114362-G-C.
Other names: c.815C>G, p.Thr272Arg (NM_001145472.3); c.527C>G, p.Thr176Arg (NM_001308013.2); c.4148C>G, p.Thr1383Arg (NM_144612.7); short protein forms T1383R, T176R, T272R.
Identifiers: ClinVar variation 196054 (VCV000196054.13), dbSNP rs7244681, ClinGen allele CA202114.

ClinVar aggregate classification (germline): Conflicting classifications of pathogenicity. Review status: criteria provided, conflicting classifications (1 of 4 stars). 5 submissions from 5 submitters: Uncertain significance (4); Benign (1). Last evaluated 2025-04-12.

Conditions:
Inborn genetic diseases. Identifiers: MedGen C0950123, MeSH D030342.
Autosomal recessive nonsyndromic hearing loss 77. Identifiers: Orphanet 90636, MedGen C2746083, MONDO:0013119, OMIM 613079.

Allele frequency attached by ClinVar (database versions not stated): 1000 Genomes Project 30x 0.00016; TOPMed 0.00017.
gnomAD v4.1: 298 of 1,551,658 alleles (0.019%); highest among the groups gnomAD compares: Non-Finnish European, 0.024%; no homozygotes.

Submissions (5):

Ambry Genetics
Classification: Uncertain significance for Inborn genetic diseases. Last evaluated: 2025-04-12. Review status: criteria provided, single submitter. Criteria: Ambry Variant Classification Scheme 2023. Collection method: clinical testing. Allele origin: germline.

Labcorp Genetics (formerly Invitae), Labcorp
Classification: Uncertain significance. Last evaluated: 2022-07-20. Review status: criteria provided, single submitter. Criteria: Invitae Variant Classification Sherloc (09022015). Collection method: clinical testing. Allele origin: germline.
Comment: This sequence change replaces threonine, which is neutral and polar, with arginine, which is basic and polar, at codon 1383 of the LOXHD1 protein (p.Thr1383Arg). This variant is present in population databases (rs7244681, gnomAD 0.02%). This variant has not been reported in the literature in individuals affected with LOXHD1-related conditions. ClinVar contains an entry for this variant (Variation ID: 196054). Algorithms developed to predict the effect of missense changes on protein structure and function (SIFT, PolyPhen-2, Align-GVGD) all suggest that this variant is likely to be tolerated. Algorithms developed to predict the effect of sequence changes on RNA splicing suggest that this variant may create or strengthen a splice site. In summary, the available evidence is currently insufficient to determine the role of this variant in disease. Therefore, it has been classified as a Variant of Uncertain Significance.

Department of Pathology and Laboratory Medicine, Sinai Health System
Classification: Uncertain significance for Autosomal recessive nonsyndromic hearing loss 77. Last evaluated: 2021-07-30. Review status: criteria provided, single submitter. Criteria: ACMG Guidelines, 2015. Collection method: research. Allele origin: germline.

Illumina Laboratory Services, Illumina
Classification: Uncertain significance for Autosomal recessive nonsyndromic hearing loss 77. Last evaluated: 2018-01-13. Review status: criteria provided, single submitter. Criteria: ICSL Variant Classification Criteria 13 December 2019. Collection method: clinical testing. Allele origin: germline.

Eurofins Ntd Llc (ga)
Classification: Benign. Last evaluated: 2014-07-02. Review status: criteria provided, single submitter. Criteria: EGL Classification Definitions 2015. Collection method: clinical testing. Allele origin: germline. Observed: 1 variant allele, 1 heterozygote.